The following is an entry in ClinVar:

NM_006295.3(VARS1):c.614_616del (p.Gly205del)

Genes: VARS1 (valyl-tRNA synthetase 1; minus strand), LOC126859651 (CDK7 strongly-dependent group 2 enhancer GRCh37_chr6:31759783-31760982; plus strand). Cytogenetic location: 6p21.33.
Variant type: Deletion.
Coding change: c.614_616del on transcript NM_006295.3 (MANE Select); coding-DNA positions 614 to 616, 3 bases deleted (GAG; older notation c.614_616delGAG).
Protein change: p.Gly205del; deletes glycine 205.
Genome position (GRCh38, 1-based): chr6:31,792,802-31,792,804, CTC deleted on the plus strand (GAG on the coding strand, the reverse complement: VARS1 is on the minus strand); deleting any 3 consecutive bases within chr6:31,792,802-31,792,806 gives the same sequence; the c. name uses the placement nearest the transcript's 3' end. VCF-style (leftmost placement, unchanged base first): chr6-31792801-TCTC-T. GRCh37 (hg19) VCF-style: chr6-31760578-TCTC-T.
Other names: short protein forms G205del.
Identifiers: ClinVar variation 3340474 (VCV003340474.4).

ClinVar aggregate classification (germline): Likely pathogenic. Review status: criteria provided, multiple submitters, no conflicts (2 of 4 stars). 2 submissions from 2 submitters: Likely pathogenic (2). Last evaluated 2024-08-14.

Conditions:
Neurodevelopmental disorder with microcephaly, seizures, and cortical atrophy. Identifiers: MedGen C4540493, MONDO:0060621, OMIM 617802.

Submissions (2):

Pediatrics, Sichuan Provincial Hospital For Women And Children
Classification: Likely pathogenic for Neurodevelopmental disorder with microcephaly, seizures, and cortical atrophy. Last evaluated: 2024-08-14. Review status: criteria provided, single submitter. Criteria: ACMG Guidelines, 2015. Collection method: reference population. Allele origin: maternal. Inheritance: Autosomal recessive inheritance. Affected: yes.
Comment: ACGM: VARS1 variation c.614_616del was classified as likely pathogenic. PM2_Supporting+PM4+PM3+PP4. PM2_Supporting: This variant occurs very infrequently in the ExAC, gnomAD, Thousand-genome Asian population database. PM4: VARS1 gene variant c.614_616del is an inframe deletion mutation that results in a change in protein length. PM3: In this sample, another possible pathogenic variant, c.3203C>T, was detected at the trans position. PP4: The client's clinical symptoms were consistent with the dominant phenotype of NDMSCA.

Juno Genomics, Hangzhou Juno Genomics, Inc
Classification: Likely pathogenic for Neurodevelopmental disorder with microcephaly, seizures, and cortical atrophy. Review status: criteria provided, single submitter. Criteria: ACMG Guidelines, 2015. Collection method: clinical testing. Allele origin: germline. Affected: yes.
Comment: Absent from controls (or at extremely low frequency if recessive) in Genome Aggregation Database, Exome Sequencing Project, 1000 Genomes Project, or Exome Aggregation Consortium.;Protein length changes due to in-frame deletions/insertions in a non-repeat region or stop-loss variants.;For recessive disorders, detected in trans with a pathogenic variant.;Patient's phenotype or family history is highly specific for a disease with a single genetic etiology.